The following is an entry in ClinVar:

NM_006846.4(SPINK5):c.443A>C (p.Glu148Ala)

Gene: SPINK5 (serine peptidase inhibitor Kazal type 5; plus strand). Cytogenetic location: 5q32.
Variant type: single nucleotide variant.
Coding change: c.443A>C on transcript NM_006846.4 (MANE Select); coding-DNA position 443, A replaced by C.
Protein change: p.Glu148Ala; replaces glutamic acid 148 with alanine.
Molecular consequence: missense variant.
Genome position (GRCh38, 1-based): chr5:148,088,574, A>C. VCF-style: chr5-148088574-A-C. GRCh37 (hg19) VCF-style: chr5-147468137-A-C.
Other names: c.443A>C, p.Glu148Ala (NM_001127698.2, NM_001127699.2); short protein forms E148A.
Identifiers: ClinVar variation 2197744 (VCV002197744.1), dbSNP rs1306798712, ClinGen allele CA361890181.

ClinVar aggregate classification (germline): Uncertain significance (1 of 4 stars; one submission).

Conditions:
Netherton syndrome (NETH). Also called: ERYTHRODERMA, ICHTHYOSIFORM, WITH HYPOTRICHOSIS AND HYPER-IgE; COMEL-NETHERTON SYNDROME; NETHERTON DISEASE. Identifiers: Orphanet 634, MedGen C5574950, MONDO:0009735, OMIM 256500.

Allele frequency attached by ClinVar (database versions not stated): gnomAD exomes below 0.00001; gnomAD 0.00001; TOPMed 0.00001.
gnomAD v4.1: 5 of 1,611,682 alleles (0.00031%); highest among the groups gnomAD compares: Middle Eastern, 0.016%; no homozygotes.

Submission:

Labcorp Genetics (formerly Invitae), Labcorp
Classification: Uncertain significance for Ichthyosis linearis circumflexa. Last evaluated: 2022-09-07. Review status: criteria provided, single submitter. Criteria: Invitae Variant Classification Sherloc (09022015). Collection method: clinical testing. Allele origin: germline.
Comment: This sequence change replaces glutamic acid, which is acidic and polar, with alanine, which is neutral and non-polar, at codon 148 of the SPINK5 protein (p.Glu148Ala). This variant is present in population databases (no rsID available, gnomAD 0.0008%). This variant has not been reported in the literature in individuals affected with SPINK5-related conditions. Algorithms developed to predict the effect of missense changes on protein structure and function are either unavailable or do not agree on the potential impact of this missense change (SIFT: "Deleterious"; PolyPhen-2: "Possibly Damaging"; Align-GVGD: "Class C0"). Algorithms developed to predict the effect of sequence changes on RNA splicing suggest that this variant may disrupt the consensus splice site. In summary, the available evidence is currently insufficient to determine the role of this variant in disease. Therefore, it has been classified as a Variant of Uncertain Significance.